The following is an entry in ClinVar:

NM_001376.5(DYNC1H1):c.7193G>C (p.Arg2398Pro)

Gene: DYNC1H1 (dynein cytoplasmic 1 heavy chain 1; plus strand). Cytogenetic location: 14q32.31.
Variant type: single nucleotide variant.
Coding change: c.7193G>C on transcript NM_001376.5 (MANE Select); coding-DNA position 7193, G replaced by C.
Protein change: p.Arg2398Pro; replaces arginine 2398 with proline.
Molecular consequence: missense variant.
Genome position (GRCh38, 1-based): chr14:102,015,283, G>C. VCF-style: chr14-102015283-G-C. GRCh37 (hg19) VCF-style: chr14-102481620-G-C.
Other names: short protein forms R2398P.
Identifiers: ClinVar variation 577720 (VCV000577720.8), dbSNP rs912429154, ClinGen allele CA391060379.

ClinVar aggregate classification (germline): Uncertain significance (1 of 4 stars; one submission).

Conditions:
Charcot-Marie-Tooth disease axonal type 2O. Also called: Charcot-Marie-Tooth disease, axonal, type 20; CHARCOT-MARIE-TOOTH NEUROPATHY, AXONAL, TYPE 2O; CHARCOT-MARIE-TOOTH DISEASE, AXONAL, AUTOSOMAL DOMINANT, TYPE 2O; Charcot-Marie-Tooth Neuropathy Type 2O. Identifiers: Orphanet 284232, MedGen C3280220, MONDO:0013644, OMIM 614228.

gnomAD v4.1: 1 of 1,614,198 alleles (0.000062%); highest among the groups gnomAD compares: Non-Finnish European, 0.000085%; no homozygotes.

Submission:

Labcorp Genetics (formerly Invitae), Labcorp
Classification: Uncertain significance for Charcot-Marie-Tooth disease axonal type 2O. Last evaluated: 2024-09-10. Review status: criteria provided, single submitter. Criteria: Invitae Variant Classification Sherloc (09022015). Collection method: clinical testing. Allele origin: germline.
Comment: This sequence change replaces arginine, which is basic and polar, with proline, which is neutral and non-polar, at codon 2398 of the DYNC1H1 protein (p.Arg2398Pro). This variant is not present in population databases (gnomAD no frequency). This variant has not been reported in the literature in individuals affected with DYNC1H1-related conditions. ClinVar contains an entry for this variant (Variation ID: 577720). Invitae Evidence Modeling of protein sequence and biophysical properties (such as structural, functional, and spatial information, amino acid conservation, physicochemical variation, residue mobility, and thermodynamic stability) indicates that this missense variant is not expected to disrupt DYNC1H1 protein function with a negative predictive value of 95%. In summary, the available evidence is currently insufficient to determine the role of this variant in disease. Therefore, it has been classified as a Variant of Uncertain Significance.